The following is an entry in ClinVar:

NM_000059.4(BRCA2):c.1403G>C (p.Arg468Thr)

Gene: BRCA2 (BRCA2 DNA repair associated; plus strand). Cytogenetic location: 13q13.1.
Variant type: single nucleotide variant.
Coding change: c.1403G>C on transcript NM_000059.4 (MANE Select); coding-DNA position 1403, G replaced by C.
Protein change: p.Arg468Thr; replaces arginine 468 with threonine.
Molecular consequence: missense variant. On other transcripts: non-coding transcript variant (1), intron variant (1).
Genome position (GRCh38, 1-based): chr13:32,332,881, G>C. VCF-style: chr13-32332881-G-C. GRCh37 (hg19) VCF-style: chr13-32907018-G-C.
Other names: c.1403G>C, p.Arg468Thr (NM_001406719.1, NM_001406720.1, NM_001406721.1); c.424+1851G>C (NM_001406722.1); short protein forms R468T.
Identifiers: ClinVar variation 2890415 (VCV002890415.7), dbSNP rs786202940, ClinGen allele CA387764160.
Genomic context (GRCh38, chr13:32,332,881, plus strand): 5'-GTATTTCTAGCCTACCAAAATCAGAGAAGCCATTAAATGAGGAAACAGTGGTAAATAAGA[G>C]AGATGAAGAGCAGCATCTTGAATCTCATACAGACTGCATTCTTGCAGTAAAGCAGGCAAT-3'
Protein context (NP_000050.3, residues 458-478): PLNEETVVNK[Arg468Thr]DEEQHLESHT

ClinVar aggregate classification (germline): Conflicting classifications of pathogenicity. Review status: criteria provided, conflicting classifications (1 of 4 stars). 4 submissions from 4 submitters: Uncertain significance (3); Likely benign (1). Last evaluated 2025-07-21.

Conditions:
Hereditary breast ovarian cancer syndrome. Also called: Breast and ovarian cancer; Hereditary breast and ovarian cancer; Hereditary breast and ovarian cancer syndrome (HBOC); Hereditary breast and/or ovarian cancer syndrome; Hereditary breast and ovarian cancer syndrome; BRCA1- and BRCA2-Associated Hereditary Breast and Ovarian Cancer. Identifiers: Orphanet 145, MedGen C0677776, MeSH D061325, MONDO:0003582. Disease mechanism: loss of function.
BRCA2-related cancer predisposition. Identifiers: MedGen CN377758, MONDO:0700269.
Hereditary cancer-predisposing syndrome. Also called: Neoplastic Syndromes, Hereditary; Hereditary neoplastic syndrome; Tumor predisposition; Hereditary Cancer Syndrome. Identifiers: Orphanet 140162, MedGen C0027672, MeSH D009386, MONDO:0015356.

Submissions (4):

Ambry Genetics
Classification: Likely benign for Hereditary cancer-predisposing syndrome. Last evaluated: 2025-07-21. Review status: criteria provided, single submitter. Criteria: Ambry Variant Classification Scheme 2023. Collection method: clinical testing. Allele origin: germline.

All of Us Research Program, National Institutes of Health
Classification: Uncertain significance for BRCA2-related cancer predisposition. Last evaluated: 2024-08-06. Review status: criteria provided, single submitter. Criteria: ACMG Guidelines, 2015. Collection method: clinical testing. Allele origin: germline. Inheritance: Autosomal dominant inheritance. Observed: 2 variant alleles, 2 heterozygotes.
Comment: This missense variant replaces arginine with threonine at codon 468 of the BRCA2 protein. Computational prediction suggests that this variant may not impact protein structure and function (internally defined REVEL score threshold <= 0.5, PMID: 27666373). To our knowledge, functional studies have not been reported for this variant. This variant has not been reported in individuals affected with BRCA2-related disorders in the literature. This variant has not been identified in the general population by the Genome Aggregation Database (gnomAD). The available evidence is insufficient to determine the role of this variant in disease conclusively. Therefore, this variant is classified as a Variant of Uncertain Significance.

This study involves interpretation of variants in research participants for the purpose of population health screening. Participant phenotype was not available at the time of variant classification. Additional details can be found in publication PMID: 35346344, PMCID: PMC8962531

Labcorp Genetics (formerly Invitae), Labcorp
Classification: Uncertain significance for Hereditary breast ovarian cancer syndrome. Last evaluated: 2023-12-08. Review status: criteria provided, single submitter. Criteria: Invitae Variant Classification Sherloc (09022015). Collection method: clinical testing. Allele origin: germline.
Comment: This sequence change replaces arginine, which is basic and polar, with threonine, which is neutral and polar, at codon 468 of the BRCA2 protein (p.Arg468Thr). This variant is not present in population databases (gnomAD no frequency). This variant has not been reported in the literature in individuals affected with BRCA2-related conditions. Advanced modeling of protein sequence and biophysical properties (such as structural, functional, and spatial information, amino acid conservation, physicochemical variation, residue mobility, and thermodynamic stability) performed at Invitae indicates that this missense variant is not expected to disrupt BRCA2 protein function with a negative predictive value of 95%. In summary, the available evidence is currently insufficient to determine the role of this variant in disease. Therefore, it has been classified as a Variant of Uncertain Significance.

Color Diagnostics, LLC DBA Color Health
Classification: Uncertain significance for Hereditary cancer-predisposing syndrome. Last evaluated: 2023-06-21. Review status: criteria provided, single submitter. Criteria: ACMG Guidelines, 2015. Collection method: clinical testing. Allele origin: germline.
Comment: This missense variant replaces arginine with threonine at codon 468 of the BRCA2 protein. Computational prediction suggests that this variant may not impact protein structure and function (internally defined REVEL score threshold <= 0.5, PMID: 27666373). To our knowledge, functional studies have not been reported for this variant. This variant has not been reported in individuals affected with BRCA2-related disorders in the literature. This variant has not been identified in the general population by the Genome Aggregation Database (gnomAD). The available evidence is insufficient to determine the role of this variant in disease conclusively. Therefore, this variant is classified as a Variant of Uncertain Significance.